The following is an entry in ClinVar:

NM_001276270.2(MBD4):c.1387A>G (p.Thr463Ala)

Gene: MBD4 (methyl-CpG binding domain 4, DNA glycosylase; minus strand). Cytogenetic location: 3q21.3.
Variant type: single nucleotide variant.
Coding change: c.1387A>G on transcript NM_001276270.2 (MANE Select); coding-DNA position 1387, A replaced by G.
Protein change: p.Thr463Ala; replaces threonine 463 with alanine.
Molecular consequence: missense variant.
Genome position (GRCh38, 1-based): chr3:129,433,856, T>C on the plus strand (A>G on the coding strand, the complement: MBD4 is on the minus strand). VCF-style: chr3-129433856-T-C. GRCh37 (hg19) VCF-style: chr3-129152699-T-C.
Other names: c.1405A>G, p.Thr469Ala (NM_001276271.2, NM_001276272.2, NM_003925.3); c.451A>G, p.Thr151Ala (NM_001276273.2); short protein forms T151A, T463A, T469A.
Identifiers: ClinVar variation 985558 (VCV000985558.6), dbSNP rs769691633, ClinGen allele CA2605312.

ClinVar aggregate classification (germline): Uncertain significance. Review status: criteria provided, multiple submitters, no conflicts (2 of 4 stars). 2 submissions from 2 submitters: Uncertain significance (2). Last evaluated 2025-11-03.

Conditions:
Inborn genetic diseases. Identifiers: MedGen C0950123, MeSH D030342.

Allele frequency attached by ClinVar (database versions not stated): ExAC 0.00004; TOPMed 0.00001; gnomAD exomes 0.00002 and 0.00005.
gnomAD v4.1: 14 of 1,614,054 alleles (0.00087%); highest among the groups gnomAD compares: Admixed American, 0.022%; no homozygotes.

Submissions (2):

Labcorp Genetics (formerly Invitae), Labcorp
Classification: Uncertain significance. Last evaluated: 2025-11-03. Review status: criteria provided, single submitter. Criteria: Invitae Variant Classification Sherloc (09022015). Collection method: clinical testing. Allele origin: germline.
Comment: This sequence change replaces threonine, which is neutral and polar, with alanine, which is neutral and non-polar, at codon 469 of the MBD4 protein (p.Thr469Ala). This variant is present in population databases (rs769691633, gnomAD 0.03%). This variant has not been reported in the literature in individuals affected with MBD4-related conditions. ClinVar contains an entry for this variant (Variation ID: 985558). An algorithm developed to predict the effect of missense changes on protein structure and function (PolyPhen-2) suggests that this variant is likely to be disruptive. Algorithms developed to predict the effect of sequence changes on RNA splicing suggest that this variant may disrupt the consensus splice site. In summary, the available evidence is currently insufficient to determine the role of this variant in disease. Therefore, it has been classified as a Variant of Uncertain Significance.

Ambry Genetics
Classification: Uncertain significance for Inborn genetic diseases. Last evaluated: 2016-09-08. Review status: criteria provided, single submitter. Criteria: Ambry exome assertion method (8-5-2015). Collection method: clinical testing. Allele origin: germline. Affected: yes. Observed: 1 variant allele.